The following is an entry in ClinVar:

ClinVar aggregate classification (germline): Uncertain significance (1 of 4 stars; one submission).

Submission:

Labcorp Genetics (formerly Invitae), Labcorp
Classification: Uncertain significance. Last evaluated: 2023-06-23. Review status: criteria provided, single submitter. Criteria: Invitae Variant Classification Sherloc (09022015). Collection method: clinical testing. Allele origin: germline.
Comment: In summary, the available evidence is currently insufficient to determine the role of this variant in disease. Therefore, it has been classified as a Variant of Uncertain Significance. Advanced modeling of protein sequence and biophysical properties (such as structural, functional, and spatial information, amino acid conservation, physicochemical variation, residue mobility, and thermodynamic stability) performed at Invitae indicates that this missense variant is not expected to disrupt SNIP1 protein function. This variant has not been reported in the literature in individuals affected with SNIP1-related conditions. This variant is present in population databases (no rsID available, gnomAD 0.004%). This sequence change replaces arginine, which is basic and polar, with glutamine, which is neutral and polar, at codon 98 of the SNIP1 protein (p.Arg98Gln).

NM_024700.4(SNIP1):c.293G>A (p.Arg98Gln)

Gene: SNIP1 (Smad nuclear interacting protein 1; minus strand). Cytogenetic location: 1p34.3.
Variant type: single nucleotide variant.
Coding change: c.293G>A on transcript NM_024700.4 (MANE Select); coding-DNA position 293, G replaced by A.
Protein change: p.Arg98Gln; replaces arginine 98 with glutamine.
Molecular consequence: missense variant.
Genome position (GRCh38, 1-based): chr1:37,552,679, C>T on the plus strand (G>A on the coding strand, the complement: SNIP1 is on the minus strand). VCF-style: chr1-37552679-C-T. GRCh37 (hg19) VCF-style: chr1-38018280-C-T.
Other names: short protein forms R98Q.
Identifiers: ClinVar variation 2874648 (VCV002874648.3), dbSNP rs759880647, ClinGen allele CA339429272.